The following is an entry in ClinVar:

ClinVar aggregate classification (germline): Uncertain significance (1 of 4 stars; one submission).

Conditions:
Familial sleep-related hypermotor epilepsy. Also called: Autosomal Dominant Sleep-Related Hypermotor (Hyperkinetic) Epilepsy. Identifiers: Orphanet 98784, MedGen C3696898, MONDO:0000030.

Allele frequency attached by ClinVar (database versions not stated): gnomAD exomes below 0.00001; gnomAD 0.00001; TOPMed 0.00001.
gnomAD v4.1: 3 of 1,613,350 alleles (0.00019%); highest among the groups gnomAD compares: Non-Finnish European, 0.00025%; no homozygotes.

Submission:

Labcorp Genetics (formerly Invitae), Labcorp
Classification: Uncertain significance. Last evaluated: 2022-12-24. Review status: criteria provided, single submitter. Criteria: Invitae Variant Classification Sherloc (09022015). Collection method: clinical testing. Allele origin: germline.
Comment: In summary, the available evidence is currently insufficient to determine the role of this variant in disease. Therefore, it has been classified as a Variant of Uncertain Significance. Advanced modeling of protein sequence and biophysical properties (such as structural, functional, and spatial information, amino acid conservation, physicochemical variation, residue mobility, and thermodynamic stability) performed at Invitae indicates that this missense variant is not expected to disrupt CHRNA4 protein function. ClinVar contains an entry for this variant (Variation ID: 1025659). This variant has not been reported in the literature in individuals affected with CHRNA4-related conditions. This variant is present in population databases (rs200550248, gnomAD 0.007%). This sequence change replaces histidine, which is basic and polar, with arginine, which is basic and polar, at codon 142 of the CHRNA4 protein (p.His142Arg).

NM_000744.7(CHRNA4):c.425A>G (p.His142Arg)

Gene: CHRNA4 (cholinergic receptor nicotinic alpha 4 subunit; minus strand). Cytogenetic location: 20q13.33.
Variant type: single nucleotide variant.
Coding change: c.425A>G on transcript NM_000744.7 (MANE Select); coding-DNA position 425, A replaced by G.
Protein change: p.His142Arg; replaces histidine 142 with arginine.
Molecular consequence: missense variant. On other transcripts: 5 prime UTR variant (1), non-coding transcript variant (1).
Genome position (GRCh38, 1-based): chr20:63,350,986, T>C on the plus strand (A>G on the coding strand, the complement: CHRNA4 is on the minus strand). VCF-style: chr20-63350986-T-C. GRCh37 (hg19) VCF-style: chr20-61982338-T-C.
Other names: c.-104A>G (NM_001256573.2); short protein forms H142R.
Identifiers: ClinVar variation 1025659 (VCV001025659.8), dbSNP rs200550248, ClinGen allele CA317436464.